The following is an entry in ClinVar:

NM_016203.4(PRKAG2):c.31A>G (p.Lys11Glu)

Gene: PRKAG2 (protein kinase AMP-activated non-catalytic subunit gamma 2; minus strand). Cytogenetic location: 7q36.1.
Variant type: single nucleotide variant.
Coding change: c.31A>G on transcript NM_016203.4 (MANE Select); coding-DNA position 31, A replaced by G.
Protein change: p.Lys11Glu; replaces lysine 11 with glutamic acid.
Molecular consequence: missense variant.
Genome position (GRCh38, 1-based): chr7:151,876,590, T>C on the plus strand (A>G on the coding strand, the complement: PRKAG2 is on the minus strand). VCF-style: chr7-151876590-T-C. GRCh37 (hg19) VCF-style: chr7-151573675-T-C.
Other names: short protein forms K11E.
Identifiers: ClinVar variation 520489 (VCV000520489.19), dbSNP rs1041124171, ClinGen allele CA169183684.

ClinVar aggregate classification (germline): Uncertain significance. Review status: criteria provided, multiple submitters, no conflicts (2 of 4 stars). 6 submissions from 6 submitters: Uncertain significance (6). Last evaluated 2025-04-08.

Conditions:
Cardiovascular phenotype. Identifiers: MedGen CN230736.
Cardiomyopathy (CMYO). Also called: Cardiomyopathies. Identifiers: Orphanet 167848, MedGen C0878544, MONDO:0004994, HP:0001638. Inheritance: Various modes of inheritance.
Lethal congenital glycogen storage disease of heart. Also called: PHOSPHORYLASE KINASE DEFICIENCY OF HEART; GLYCOGEN STORAGE DISEASE OF HEART. Identifiers: Orphanet 439854, MedGen C1849813, MONDO:0009867, OMIM 261740.
Hypertrophic cardiomyopathy 6. Identifiers: MedGen C1833236, MONDO:0010946, OMIM 600858.
Wolff-Parkinson-White pattern. Also called: Auriculoventricular accessory pathway syndrome; False bundle branch block syndrome; Anomalous ventricular excitation syndrome; WPW SYNDROME. Identifiers: MedGen C0043202, MONDO:0008685, OMIM 194200, HP:0001716.
Hypertrophic cardiomyopathy. Also called: HYPERTROPHIC MYOCARDIOPATHY. Identifiers: Orphanet 217569, MedGen C0007194, MeSH D002312, MONDO:0005045, HP:0001639.

Allele frequency attached by ClinVar (database versions not stated): gnomAD exomes below 0.00001 and 0.00001; gnomAD 0.00001; TOPMed 0.00002.
gnomAD v4.1: 7 of 1,610,158 alleles (0.00043%); highest among the groups gnomAD compares: Non-Finnish European, 0.00059%; no homozygotes.

Submissions (6):

Molecular Diagnostic Laboratory for Inherited Cardiovascular Disease, Montreal Heart Institute
Classification: Uncertain significance for Cardiovascular phenotype. Last evaluated: 2025-04-08. Review status: criteria provided, single submitter. Criteria: ACMG Guidelines, 2015. Collection method: clinical testing. Allele origin: germline. Affected: yes.
Comment: PM2, BP4

All of Us Research Program, National Institutes of Health
Classification: Uncertain significance for Hypertrophic cardiomyopathy. Last evaluated: 2023-11-20. Review status: criteria provided, single submitter. Criteria: ACMG Guidelines, 2015. Collection method: clinical testing. Allele origin: germline. Inheritance: Autosomal dominant inheritance. Observed: 5 variant alleles, 5 heterozygotes.
Comment: Variant of Uncertain Significance due to insufficient evidence: This missense variant replaces lysine with glutamic acid at codon 11 of the PRKAG2 protein. Computational prediction tools and conservation analyses are inconclusive regarding the impact of this variant on the protein function. Computational splicing tools suggest that this variant may not impact RNA splicing. To our knowledge, functional assays have not been performed for this variant nor has this variant been reported in individuals affected with cardiovascular disorders in the literature. This variant is rare in the general population and has been identified in 0/277264 chromosomes by the Genome Aggregation Database (gnomAD). Available evidence is insufficient to determine the pathogenicity of this variant conclusively.

This study involves interpretation of variants in research participants for the purpose of population health screening. Participant phenotype was not available at the time of variant classification. Additional details can be found in publication PMID: 35346344, PMCID: PMC8962531

Color Diagnostics, LLC DBA Color Health
Classification: Uncertain significance for Cardiomyopathy. Last evaluated: 2023-09-07. Review status: criteria provided, single submitter. Criteria: ACMG Guidelines, 2015. Collection method: clinical testing. Allele origin: germline.
Comment: This missense variant replaces lysine with glutamic acid at codon 11 of the PRKAG2 protein. Computational prediction suggests that this variant may not impact protein structure and function (internally defined REVEL score threshold <= 0.5, PMID: 27666373). To our knowledge, functional studies have not been reported for this variant. This variant has been reported in one individual affected with hypertrophic cardiomyopathy (PMID: 33495597). This variant has been identified in 2/280044 chromosomes in the general population by the Genome Aggregation Database (gnomAD). The available evidence is insufficient to determine the role of this variant in disease conclusively. Therefore, this variant is classified as a Variant of Uncertain Significance.

Blueprint Genetics
Classification: Uncertain significance. Last evaluated: 2023-05-31. Review status: criteria provided, single submitter. Criteria: ACMG Guidelines, 2015. Collection method: clinical testing. Allele origin: germline.

Labcorp Genetics (formerly Invitae), Labcorp
Classification: Uncertain significance for Lethal congenital glycogen storage disease of heart. Last evaluated: 2022-05-06. Review status: criteria provided, single submitter. Criteria: Invitae Variant Classification Sherloc (09022015). Collection method: clinical testing. Allele origin: germline.
Comment: This sequence change replaces lysine, which is basic and polar, with glutamic acid, which is acidic and polar, at codon 11 of the PRKAG2 protein (p.Lys11Glu). The frequency data for this variant in the population databases is considered unreliable, as metrics indicate poor data quality at this position in the gnomAD database. In summary, the available evidence is currently insufficient to determine the role of this variant in disease. Therefore, it has been classified as a Variant of Uncertain Significance. Advanced modeling of protein sequence and biophysical properties (such as structural, functional, and spatial information, amino acid conservation, physicochemical variation, residue mobility, and thermodynamic stability) performed at Invitae indicates that this missense variant is not expected to disrupt PRKAG2 protein function. ClinVar contains an entry for this variant (Variation ID: 520489). This variant has not been reported in the literature in individuals affected with PRKAG2-related conditions.

Fulgent Genetics
Classification: Uncertain significance for Wolff-Parkinson-White pattern; Lethal congenital glycogen storage disease of heart; Hypertrophic cardiomyopathy 6. Last evaluated: 2018-10-31. Review status: criteria provided, single submitter. Criteria: ACMG Guidelines, 2015. Collection method: clinical testing. Allele origin: unknown.

Literature cited by the submitters: PubMed 33495597 (cited by Color Diagnostics, LLC DBA Color Health).